The following is an entry in ClinVar:

NM_000374.5(UROD):c.474+5T>C

Gene: UROD (uroporphyrinogen decarboxylase; plus strand). Cytogenetic location: 1p34.1.
Variant type: single nucleotide variant.
Coding change: c.474+5T>C on transcript NM_000374.5 (MANE Select); 5 bases into the intron after coding-DNA position 474, T replaced by C.
Molecular consequence: intron variant.
Genome position (GRCh38, 1-based): chr1:45,013,796, T>C. VCF-style: chr1-45013796-T-C. GRCh37 (hg19) VCF-style: chr1-45479468-T-C.
Identifiers: ClinVar variation 1375912 (VCV001375912.6), dbSNP rs146943643, ClinGen allele CA825253.
Genomic context (GRCh38, chr1:45,013,796, plus strand): 5'-TTACCCGACAACGACTGGCTGGACGTGTGCCGCTGATTGGCTTTGCTGGTGCCCCAGTAA[T>C]GTGGGACAGGGCAGGGACTCGGGGCGCGGGGAGATCACTCTGGAAGGTCTGGGGTAGACA-3'

ClinVar aggregate classification (germline): Uncertain significance (1 of 4 stars; one submission).

Allele frequency attached by ClinVar (database versions not stated): gnomAD exomes 0.00002 and 0.00004; ExAC 0.00004; gnomAD 0.00004; TOPMed 0.00006; 1000 Genomes Project 30x 0.00031; 1000 Genomes Project 0.00040.
gnomAD v4.1: 67 of 1,614,154 alleles (0.0042%); highest among the groups gnomAD compares: Middle Eastern, 0.066%; no homozygotes.

Submission:

Labcorp Genetics (formerly Invitae), Labcorp
Classification: Uncertain significance. Last evaluated: 2025-10-03. Review status: criteria provided, single submitter. Criteria: Invitae Variant Classification Sherloc (09022015). Collection method: clinical testing. Allele origin: germline.
Comment: This sequence change falls in intron 5 of the UROD gene. It does not directly change the encoded amino acid sequence of the UROD protein. It affects a nucleotide within the consensus splice site. This variant is present in population databases (rs146943643, gnomAD 0.008%). This variant has not been reported in the literature in individuals affected with UROD-related conditions. ClinVar contains an entry for this variant (Variation ID: 1375912). Variants that disrupt the consensus splice site are a relatively common cause of aberrant splicing (PMID: 17576681, 9536098). Algorithms developed to predict the effect of sequence changes on RNA splicing suggest that this variant may disrupt the consensus splice site. In summary, the available evidence is currently insufficient to determine the role of this variant in disease. Therefore, it has been classified as a Variant of Uncertain Significance.

Literature cited by the submitters: PubMed 17576681; PubMed 9536098.